The following is an entry in ClinVar:

NM_001113490.2(AMOT):c.1926G>C (p.Gln642His)

Gene: AMOT (angiomotin; minus strand). Cytogenetic location: Xq23.
Variant type: single nucleotide variant.
Coding change: c.1926G>C on transcript NM_001113490.2 (MANE Select); coding-DNA position 1926, G replaced by C.
Protein change: p.Gln642His; replaces glutamine 642 with histidine.
Molecular consequence: missense variant.
Genome position (GRCh38, 1-based): chrX:112,791,832, C>G on the plus strand (G>C on the coding strand, the complement: AMOT is on the minus strand). VCF-style: chrX-112791832-C-G. GRCh37 (hg19) VCF-style: chrX-112035060-C-G.
Other names: c.1926G>C, p.Gln642His (NM_001386998.1, NM_001386999.1); c.699G>C, p.Gln233His (NM_133265.5); short protein forms Q233H, Q642H.
Identifiers: ClinVar variation 224811 (VCV000224811.2), dbSNP rs869312862, ClinGen allele CA357931.

ClinVar aggregate classification (germline): Likely pathogenic (1 of 4 stars; one submission).

Conditions:
Cerebral visual impairment and intellectual disability.

Submission:

Lupski Lab, Baylor-Hopkins CMG, Baylor College of Medicine
Classification: Likely pathogenic for Cerebral visual impairment and intellectual disability. Last evaluated: 2015-09-09. Review status: criteria provided, single submitter. Criteria: Bosch et al. (EJHG 2015). Collection method: research. Allele origin: de novo. Affected: yes. Observed: 1 variant allele, 1 heterozygote.
Comment: This study shows that diverse genetic causes underlie CVI.